The following is an entry in ClinVar:

NM_004006.3(DMD):c.9305G>T (p.Arg3102Ile)

Gene: DMD (dystrophin; minus strand). Cytogenetic location: Xp21.2.
Variant type: single nucleotide variant.
Coding change: c.9305G>T on transcript NM_004006.3 (MANE Select); coding-DNA position 9305, G replaced by T.
Protein change: p.Arg3102Ile; replaces arginine 3102 with isoleucine.
Molecular consequence: missense variant.
Genome position (GRCh38, 1-based): chrX:31,223,103, C>A on the plus strand (G>T on the coding strand, the complement: DMD is on the minus strand). VCF-style: chrX-31223103-C-A. GRCh37 (hg19) VCF-style: chrX-31241220-C-A.
Other names: c.9281G>T, p.Arg3094Ile (NM_000109.4); c.9293G>T, p.Arg3098Ile (NM_004009.3); c.8936G>T, p.Arg2979Ile (NM_004010.3); c.5282G>T, p.Arg1761Ile (NM_004011.4); c.5273G>T, p.Arg1758Ile (NM_004012.4); c.1925G>T, p.Arg642Ile (NM_004013.3, NM_004020.4, NM_004021.3 and 2 more transcripts); c.1118G>T, p.Arg373Ile (NM_004014.3); c.101G>T, p.Arg34Ile (NM_004015.3, NM_004016.3, NM_004017.3 and 2 more transcripts); short protein forms R3094I, R3102I, R1758I, R34I, R1761I, R2979I, R3098I, R373I.
Identifiers: ClinVar variation 1462975 (VCV001462975.8), dbSNP rs2147071625, ClinGen allele CA412650968.

ClinVar aggregate classification (germline): Uncertain significance (1 of 4 stars; one submission).

Conditions:
Duchenne muscular dystrophy (DMD). Also called: Duchenne Muscular Dystrophy (DMD); MUSCULAR DYSTROPHY, PSEUDOHYPERTROPHIC PROGRESSIVE, DUCHENNE TYPE. Identifiers: Orphanet 98896, MedGen C0013264, MONDO:0010679, OMIM 310200.

Submission:

Labcorp Genetics (formerly Invitae), Labcorp
Classification: Uncertain significance for Duchenne muscular dystrophy. Last evaluated: 2021-05-19. Review status: criteria provided, single submitter. Criteria: Invitae Variant Classification Sherloc (09022015). Collection method: clinical testing. Allele origin: germline.
Comment: This sequence change replaces arginine with isoleucine at codon 3102 of the DMD protein (p.Arg3102Ile). The arginine residue is highly conserved and there is a moderate physicochemical difference between arginine and isoleucine. In summary, the available evidence is currently insufficient to determine the role of this variant in disease. Therefore, it has been classified as a Variant of Uncertain Significance. Algorithms developed to predict the effect of missense changes on protein structure and function are either unavailable or do not agree on the potential impact of this missense change (SIFT: "Deleterious"; PolyPhen-2: "Benign"; Align-GVGD: "Class C0"). This variant has not been reported in the literature in individuals with DMD-related conditions. This variant is not present in population databases (ExAC no frequency).